The following is an entry in ClinVar:

NM_015466.4(PTPN23):c.1387T>C (p.Leu463=)

Gene: PTPN23 (protein tyrosine phosphatase non-receptor type 23; plus strand). Cytogenetic location: 3p21.31.
Variant type: single nucleotide variant.
Coding change: c.1387T>C on transcript NM_015466.4 (MANE Select); coding-DNA position 1387, T replaced by C.
Protein change: p.Leu463=; no amino-acid change (leucine 463 retained).
Molecular consequence: synonymous variant.
Genome position (GRCh38, 1-based): chr3:47,408,832, T>C. VCF-style: chr3-47408832-T-C. GRCh37 (hg19) VCF-style: chr3-47450322-T-C.
Other names: c.1009T>C, p.Leu337= (NM_001304482.2); c.1387T>C (NM_015466.3).
Identifiers: ClinVar variation 1549286 (VCV001549286.33), dbSNP rs149474517, ClinGen allele CA2365733.

ClinVar aggregate classification (germline): Benign/Likely benign. Review status: criteria provided, multiple submitters, no conflicts (2 of 4 stars). 4 submissions from 4 submitters: Benign (2); Likely benign (1). 1 of the submissions does not count toward it. Last evaluated 2026-01-16.

Conditions:
Neurodevelopmental disorder and structural brain anomalies with or without seizures and spasticity. Identifiers: MedGen C5394423, MONDO:0030046, OMIM 618890.
PTPN23-related disorder. Also called: PTPN23-related condition.

Allele frequency attached by ClinVar (database versions not stated): gnomAD exomes 0.00005 and 0.00017; ExAC 0.00021; ESP Exome Variant Server 0.00038; gnomAD 0.00059 and 0.00064; TOPMed 0.00083; 1000 Genomes Project 30x 0.00094; 1000 Genomes Project 0.00120.
gnomAD v4.1: 178 of 1,613,592 alleles (0.011%); highest among the groups gnomAD compares: African/African-American, 0.19%; no homozygotes.

Submissions (4):

Labcorp Genetics (formerly Invitae), Labcorp
Classification: Benign. Last evaluated: 2026-01-16. Review status: criteria provided, single submitter. Criteria: Invitae Variant Classification Sherloc (09022015). Collection method: clinical testing. Allele origin: germline.

ARUP Laboratories, Molecular Genetics and Genomics, ARUP Laboratories
Classification: Benign for Neurodevelopmental disorder and structural brain anomalies with or without seizures and spasticity. Last evaluated: 2024-07-15. Review status: criteria provided, single submitter. Criteria: ARUP Molecular Germline Variant Investigation Process 2024. Collection method: clinical testing. Allele origin: germline.

CeGaT Center for Human Genetics Tuebingen
Classification: Likely benign. Last evaluated: 2022-07-01. Review status: criteria provided, single submitter. Criteria: CeGaT Center For Human Genetics Tuebingen Variant Classification Criteria Version 2. Collection method: clinical testing. Allele origin: germline. Affected: yes. Observed: 2 variant alleles.
Comment: PTPN23: BP4, BP7

PreventionGenetics, part of Exact Sciences
Classification: Likely benign for PTPN23-related condition. Last evaluated: 2019-08-14. Review status: no assertion criteria provided. Collection method: clinical testing. Allele origin: germline. Not counted in ClinVar's aggregate classification.
Comment: This variant is classified as likely benign based on ACMG/AMP sequence variant interpretation guidelines (Richards et al. 2015 PMID: 25741868, with internal and published modifications).